The following is an entry in ClinVar:

ClinVar aggregate classification (germline): Benign. Review status: criteria provided, multiple submitters, no conflicts (2 of 4 stars). 7 submissions from 6 submitters: Benign (4). 3 of the submissions do not count toward it. Last evaluated 2021-11-07.

Conditions:
Occult macular dystrophy (OCMD). Also called: OMD; OCCULT MACULAR DYSTROPHY, SUSCEPTIBILITY TO. Identifiers: Orphanet 247834, MedGen C3150833, MONDO:0013316, OMIM 613587, HP:0030636.
Retinitis pigmentosa 88. Identifiers: MedGen C5394208, MONDO:0032940, OMIM 618826.

Allele frequency attached by ClinVar (database versions not stated): gnomAD exomes 0.25908 and 0.33312; gnomAD 0.34398 and 0.34433; ExAC 0.37047.
gnomAD v4.1: 293,137 of 1,084,540 alleles (27%); highest among the groups gnomAD compares: East Asian, 65%; 53,521 homozygotes.

Submissions (7):

Genome-Nilou Lab
Classification: Benign for Occult macular dystrophy. Last evaluated: 2021-11-07. Review status: criteria provided, single submitter. Criteria: ACMG Guidelines, 2015. Collection method: clinical testing. Allele origin: germline. Affected: no.

Genome-Nilou Lab
Classification: Benign for Retinitis pigmentosa 88. Last evaluated: 2021-11-07. Review status: criteria provided, single submitter. Criteria: ACMG Guidelines, 2015. Collection method: clinical testing. Allele origin: germline. Affected: no.

Illumina Laboratory Services, Illumina
Classification: Benign for Occult macular dystrophy. Last evaluated: 2018-01-13. Review status: criteria provided, single submitter. Criteria: ICSL Variant Classification Criteria 13 December 2019. Collection method: clinical testing. Allele origin: germline.
Comment: This variant was observed in the ICSL laboratory as part of a predisposition screen in an ostensibly healthy population. It had not been previously curated by ICSL or reported in the Human Gene Mutation Database (HGMD: prior to June 1st, 2018), and was therefore a candidate for classification through an automated scoring system. Utilizing variant allele frequency, disease prevalence and penetrance estimates, and inheritance mode, an automated score was calculated to assess if this variant is too frequent to cause the disease. Based on the score and internal cut-off values, a variant classified as benign is not then subjected to further curation. The score for this variant resulted in a classification of benign for this disease.

Breakthrough Genomics
Classification: Benign. Review status: criteria provided, single submitter. Criteria: ACMG Guidelines, 2015. Collection method: not provided. Allele origin: germline. Inheritance: Autosomal recessive inheritance. Affected: yes.

Clinical Genetics DNA and cytogenetics Diagnostics Lab, Erasmus MC, Erasmus Medical Center
Classification: Benign. Review status: no assertion criteria provided. Collection method: clinical testing. Allele origin: germline. Affected: yes. Study: VKGL Data-share Consensus. Not counted in ClinVar's aggregate classification.

Diagnostic Laboratory, Department of Genetics, University Medical Center Groningen
Classification: Benign. Review status: no assertion criteria provided. Collection method: clinical testing. Allele origin: germline. Affected: yes. Study: VKGL Data-share Consensus. Not counted in ClinVar's aggregate classification.

Joint Genome Diagnostic Labs from Nijmegen and Maastricht, Radboudumc and MUMC+
Classification: Benign. Review status: no assertion criteria provided. Collection method: clinical testing. Allele origin: germline. Affected: yes. Study: VKGL Data-share Consensus. Not counted in ClinVar's aggregate classification.

NM_178857.6(RP1L1):c.4032A>G (p.Thr1344=)

Gene: RP1L1 (RP1 like 1). Cytogenetic location: 8p23.1.
Variant type: single nucleotide variant.
Coding change: c.4032A>G on transcript NM_178857.6 (MANE Select); coding-DNA position 4032, A replaced by G.
Protein change: p.Thr1344=; no amino-acid change (threonine 1344 retained).
Molecular consequence: synonymous variant.
Genome position (GRCh38, 1-based): chr8:10,610,066, T>C on the plus strand (A>G on the coding strand, the complement: RP1L1 is on the minus strand). VCF-style: chr8-10610066-T-C. GRCh37 (hg19) VCF-style: chr8-10467576-T-C.
Identifiers: ClinVar variation 361288 (VCV000361288.14), dbSNP rs4840499, ClinGen allele CA4624188.